The following is an entry in ClinVar:

NM_005739.4(RASGRP1):c.1242G>T (p.Thr414=)

Gene: RASGRP1 (RAS guanyl releasing protein 1; minus strand). Cytogenetic location: 15q14.
Variant type: single nucleotide variant.
Coding change: c.1242G>T on transcript NM_005739.4 (MANE Select); coding-DNA position 1242, G replaced by T.
Protein change: p.Thr414=; no amino-acid change (threonine 414 retained).
Molecular consequence: synonymous variant.
Genome position (GRCh38, 1-based): chr15:38,507,726, C>A on the plus strand (G>T on the coding strand, the complement: RASGRP1 is on the minus strand). VCF-style: chr15-38507726-C-A. GRCh37 (hg19) VCF-style: chr15-38799927-C-A.
Other names: c.1242G>T, p.Thr414= (NM_001128602.2, NM_001306086.2).
Identifiers: ClinVar variation 2110239 (VCV002110239.4), dbSNP rs1891318737, ClinGen allele CA489706792.

ClinVar aggregate classification (germline): Uncertain significance (1 of 4 stars; one submission).

Submission:

Labcorp Genetics (formerly Invitae), Labcorp
Classification: Uncertain significance. Last evaluated: 2022-03-13. Review status: criteria provided, single submitter. Criteria: Invitae Variant Classification Sherloc (09022015). Collection method: clinical testing. Allele origin: germline.
Comment: In summary, the available evidence is currently insufficient to determine the role of this variant in disease. Therefore, it has been classified as a Variant of Uncertain Significance. Variants that disrupt the consensus splice site are a relatively common cause of aberrant splicing (PMID: 17576681, 9536098). Algorithms developed to predict the effect of sequence changes on RNA splicing suggest that this variant may disrupt the consensus splice site. This variant has not been reported in the literature in individuals affected with RASGRP1-related conditions. This variant is not present in population databases (gnomAD no frequency). This sequence change affects codon 414 of the RASGRP1 mRNA. It is a 'silent' change, meaning that it does not change the encoded amino acid sequence of the RASGRP1 protein. This variant also falls at the last nucleotide of exon 9, which is part of the consensus splice site for this exon.

Literature cited by the submitters: PubMed 17576681; PubMed 9536098.